The following is an entry in ClinVar:

ClinVar aggregate classification (germline): Likely benign. Review status: criteria provided, multiple submitters, no conflicts (2 of 4 stars). 2 submissions from 2 submitters: Likely benign (2). Last evaluated 2025-02-16.

Submissions (2):

Laboratory of Genetics, Children's Clinical University Hospital Latvia
Classification: Likely benign. Last evaluated: 2025-02-16. Review status: criteria provided, single submitter. Criteria: ACMG Guidelines, 2015. Collection method: clinical testing. Allele origin: germline. Affected: yes.

Center for Pediatric Genomic Medicine, Children's Mercy Hospital and Clinics
Classification: Likely benign. Last evaluated: 2016-03-18. Review status: criteria provided, single submitter. Criteria: ACMG Guidelines, 2015. Collection method: clinical testing. Allele origin: germline.
ClinVar note: Converted during submission from Likely Benign to Likely benign.

NC_012920.1(MT-ATP8):m.8410C>T

Gene: MT-ATP8 (mitochondrially encoded ATP synthase 8; plus strand).
Variant type: single nucleotide variant.
Genome position: chrM-8410-C-T.
Identifiers: ClinVar variation 235707 (VCV000235707.4), dbSNP rs200715932, ClinGen allele CA10581408.
Genomic context (GRCh38, chrMT:8,410, plus strand): 5'-ACCTCTTTACAGTGAAATGCCCCAACTAAATACTACCGTATGGCCCACCATAATTACCCC[C>T]ATACTCCTTACACTATTCCTCATCACCCAACTAAAAATATTAAACACAAACTACCACCTA-3'